The following is an entry in ClinVar:

ClinVar aggregate classification (germline): Likely benign. Review status: criteria provided, single submitter (1 of 4 stars). 2 submissions from 2 submitters: Likely benign (1). 1 of the submissions does not count toward it. Last evaluated 2025-01-16.

Conditions:
Fanconi anemia complementation group C (FANCC). Also called: Fanconi anemia, group C; FANCC-Related Fanconi Anemia; FANCONI PANCYTOPENIA, TYPE 3; FACC. Identifiers: Orphanet 84, MedGen C3468041, MONDO:0009213, OMIM 227645.

Allele frequency attached by ClinVar (database versions not stated): gnomAD 0.45701 and 0.45749; TOPMed 0.46279; 1000 Genomes Project 30x 0.50109; 1000 Genomes Project 0.50260.
gnomAD v4.1: 69,531 of 151,958 alleles (46%); highest among the groups gnomAD compares: East Asian, 58%; 16,107 homozygotes.

Submissions (2):

Mendelics
Classification: Likely benign for Fanconi anemia complementation group C. Last evaluated: 2025-01-16. Review status: criteria provided, single submitter. Criteria: ACMG Guidelines, 2015. Collection method: clinical testing. Allele origin: unknown.
Comment: Variant in FANCC HGVS c.346-1930T>C. GnomAD 4.1.0 frequency of 0.4576 with 16107 homozygotes. This variant is probably not to cause Fanconi anemia.

Leiden Open Variation Database
Classification: Uncertain significance. Last evaluated: 2020-02-28. Review status: no assertion criteria provided. Collection method: curation. Allele origin: germline. Affected: yes. Not counted in ClinVar's aggregate classification.
Comment: Curator: Arleen D. Auerbach. Submitter to LOVD: Arleen D. Auerbach.

NM_000136.3(FANCC):c.346-1930T>C

Gene: FANCC (FA complementation group C; minus strand). Cytogenetic location: 9q22.32.
Variant type: single nucleotide variant.
Coding change: c.346-1930T>C on transcript NM_000136.3 (MANE Select); 1930 bases into the intron before coding-DNA position 346, T replaced by C.
Molecular consequence: intron variant.
Genome position (GRCh38, 1-based): chr9:95,174,077, A>G on the plus strand (T>C on the coding strand, the complement: FANCC is on the minus strand). VCF-style: chr9-95174077-A-G. GRCh37 (hg19) VCF-style: chr9-97936359-A-G.
Other names: c.346-1930T>C (NM_001243743.2, NM_001243744.2).
Identifiers: ClinVar variation 929806 (VCV000929806.2), dbSNP rs7850958, ClinGen allele CA15627109.